The following is an entry in ClinVar:

NM_003803.4(MYOM1):c.3211A>G (p.Thr1071Ala)

Gene: MYOM1 (myomesin 1; minus strand). Cytogenetic location: 18p11.31.
Variant type: single nucleotide variant.
Coding change: c.3211A>G on transcript NM_003803.4 (MANE Select); coding-DNA position 3211, A replaced by G.
Protein change: p.Thr1071Ala; replaces threonine 1071 with alanine.
Molecular consequence: missense variant.
Genome position (GRCh38, 1-based): chr18:3,116,423, T>C on the plus strand (A>G on the coding strand, the complement: MYOM1 is on the minus strand). VCF-style: chr18-3116423-T-C. GRCh37 (hg19) VCF-style: chr18-3116421-T-C.
Other names: c.2923A>G, p.Thr975Ala (NM_019856.2); short protein forms T975A, T1071A.
Identifiers: ClinVar variation 2562748 (VCV002562748.2), dbSNP rs1340567418, ClinGen allele CA401705860.

ClinVar aggregate classification (germline): Uncertain significance (1 of 4 stars; one submission).

Submission:

Ambry Genetics
Classification: Uncertain significance. Last evaluated: 2023-05-26. Review status: criteria provided, single submitter. Criteria: Ambry Variant Classification Scheme 2023. Collection method: clinical testing. Allele origin: germline.
Comment: The p.T1071A variant (also known as c.3211A>G), located in coding exon 20 of the MYOM1 gene, results from an A to G substitution at nucleotide position 3211. The threonine at codon 1071 is replaced by alanine, an amino acid with similar properties. This amino acid position is conserved. In addition, this alteration is predicted to be tolerated by in silico analysis. Since supporting evidence is limited at this time, the clinical significance of this alteration remains unclear.